The following is an entry in ClinVar:

ClinVar aggregate classification (germline): Uncertain significance (1 of 4 stars; one submission).

Conditions:
Bethlem myopathy 1A. Also called: Bethlem myopathy 1; Bethlem Muscular Dystrophy; MYOPATHY, BENIGN CONGENITAL, WITH CONTRACTURES. Identifiers: Orphanet 610, MedGen CN029274, MONDO:0024530, OMIM 158810.

Submission:

Labcorp Genetics (formerly Invitae), Labcorp
Classification: Uncertain significance for Bethlem myopathy 1A. Last evaluated: 2023-08-03. Review status: criteria provided, single submitter. Criteria: Invitae Variant Classification Sherloc (09022015). Collection method: clinical testing. Allele origin: germline.
Comment: In summary, the available evidence is currently insufficient to determine the role of this variant in disease. Therefore, it has been classified as a Variant of Uncertain Significance. Experimental studies and prediction algorithms are not available or were not evaluated, and the functional significance of this variant is currently unknown. This variant has not been reported in the literature in individuals affected with COL6A3-related conditions. This variant is not present in population databases (gnomAD no frequency). This sequence change creates a premature translational stop signal (p.Val3161Phefs*14) in the COL6A3 gene. While this is not anticipated to result in nonsense mediated decay, it is expected to disrupt the last 17 amino acid(s) of the COL6A3 protein.

NM_004369.4(COL6A3):c.9481del (p.Val3161fs)

Genes: COL6A3 (collagen type VI alpha 3 chain; minus strand), LOC126806573 (CDK7 strongly-dependent group 2 enhancer GRCh37_chr2:238233151-238234350; plus strand). Cytogenetic location: 2q37.3.
Variant type: Deletion.
Coding change: c.9481del on transcript NM_004369.4 (MANE Select); coding-DNA position 9481, one base deleted (G; older notation c.9481delG).
Protein change: p.Val3161fs; shifts the reading frame from valine 3161.
Molecular consequence: frameshift variant.
Genome position (GRCh38, 1-based): chr2:237,325,572, C deleted on the plus strand (G on the coding strand, the reverse complement: COL6A3 is on the minus strand); the first of 2 consecutive C bases (chr2:237,325,572-237,325,573); deleting either gives the same sequence. VCF-style (leftmost placement, unchanged base first): chr2-237325571-AC-A. GRCh37 (hg19) VCF-style: chr2-238234214-AC-A.
Other names: c.8863del, p.Val2955fs (NM_057167.4); c.7660del, p.Val2554fs (NM_057166.5); short protein forms V2955fs, V2554fs, V3161fs.
Identifiers: ClinVar variation 2749809 (VCV002749809.3), dbSNP rs2469765114, ClinGen allele CA2697550608.